The following is an entry in ClinVar:

ClinVar aggregate classification (germline): Uncertain significance (1 of 4 stars; one submission).

Submission:

GeneDx
Classification: Uncertain significance. Last evaluated: 2024-07-22. Review status: criteria provided, single submitter. Criteria: GeneDx Variant Classification Process June 2021. Collection method: clinical testing. Allele origin: germline. Affected: yes.
Comment: Not observed at significant frequency in large population cohorts (gnomAD); In silico analysis supports that this missense variant has a deleterious effect on protein structure/function; Has not been previously published as pathogenic or benign to our knowledge

NM_015057.5(MYCBP2):c.6754G>A (p.Gly2252Ser)

Gene: MYCBP2 (MYC binding protein 2; minus strand). Cytogenetic location: 13q22.3.
Variant type: single nucleotide variant.
Coding change: c.6754G>A on transcript NM_015057.5 (MANE Select); coding-DNA position 6754, G replaced by A.
Protein change: p.Gly2252Ser; replaces glycine 2252 with serine.
Molecular consequence: missense variant.
Genome position (GRCh38, 1-based): chr13:77,157,953, C>T on the plus strand (G>A on the coding strand, the complement: MYCBP2 is on the minus strand). VCF-style: chr13-77157953-C-T. GRCh37 (hg19) VCF-style: chr13-77732088-C-T.
Other names: short protein forms G2252S.
Identifiers: ClinVar variation 3600870 (VCV003600870.1).